The following is an entry in ClinVar:

ClinVar aggregate classification (germline): Uncertain significance (1 of 4 stars; one submission).

Conditions:
Long QT syndrome (LQTS). Identifiers: MedGen C0023976, MeSH D008133, MONDO:0002442. Disease mechanism: loss of function. Inheritance: Various modes of inheritance.

Allele frequency attached by ClinVar (database versions not stated): gnomAD exomes below 0.00001; gnomAD 0.00001.
gnomAD v4.1: 2 of 1,596,546 alleles (0.00013%); highest among the groups gnomAD compares: Admixed American, 0.0017%; no homozygotes.

Submission:

Labcorp Genetics (formerly Invitae), Labcorp
Classification: Uncertain significance for Long QT syndrome. Last evaluated: 2020-11-06. Review status: criteria provided, single submitter. Criteria: Invitae Variant Classification Sherloc (09022015). Collection method: clinical testing. Allele origin: germline.
Comment: Algorithms developed to predict the effect of missense changes on protein structure and function (SIFT, PolyPhen-2, Align-GVGD) all suggest that this variant is likely to be tolerated, but these predictions have not been confirmed by published functional studies and their clinical significance is uncertain. In summary, the available evidence is currently insufficient to determine the role of this variant in disease. Therefore, it has been classified as a Variant of Uncertain Significance. This variant has not been reported in the literature in individuals with KCNH2-related conditions. This variant is not present in population databases (ExAC no frequency). This sequence change replaces asparagine with aspartic acid at codon 12 of the KCNH2 protein (p.Asn12Asp). The asparagine residue is weakly conserved and there is a small physicochemical difference between asparagine and aspartic acid.

NM_000238.4(KCNH2):c.34A>G (p.Asn12Asp)

Gene: KCNH2 (potassium voltage-gated channel subfamily H member 2; minus strand). Cytogenetic location: 7q36.1.
Variant type: single nucleotide variant.
Coding change: c.34A>G on transcript NM_000238.4 (MANE Select); coding-DNA position 34, A replaced by G.
Protein change: p.Asn12Asp; replaces asparagine 12 with aspartic acid.
Molecular consequence: missense variant.
Genome position (GRCh38, 1-based): chr7:150,977,880, T>C on the plus strand (A>G on the coding strand, the complement: KCNH2 is on the minus strand). VCF-style: chr7-150977880-T-C. GRCh37 (hg19) VCF-style: chr7-150674968-T-C.
Other names: c.34A>G, p.Asn12Asp (NM_172056.3); short protein forms N12D.
Identifiers: ClinVar variation 1525692 (VCV001525692.9), dbSNP rs1412463792, ClinGen allele CA369866727.
Genomic context (GRCh38, chr7:150,977,880, plus strand): 5'-GCCCCCTCCCCCACTCACTCTGGCCCTCAAACTTGCGGATGATGGTGTCCAGGAAGGTGT[T>C]CTGCGGCGCGACGTGGCCCCTCCGCACCGGCATCCTGAGCCCATGGGCGGGCCGGGCGGG-3'
Protein context (NP_000229.1, residues 2-22): PVRRGHVAPQ[Asn12Asp]TFLDTIIRKF